The following is an entry in ClinVar:

NM_001267550.2(TTN):c.74533A>C (p.Ile24845Leu)

Genes: TTN (titin; minus strand), TTN-AS1 (TTN antisense RNA 1; plus strand). Cytogenetic location: 2q31.2.
Variant type: single nucleotide variant.
Coding change: c.74533A>C on transcript NM_001267550.2 (MANE Select); coding-DNA position 74533, A replaced by C.
Protein change: p.Ile24845Leu; replaces isoleucine 24845 with leucine.
Molecular consequence: missense variant.
Genome position (GRCh38, 1-based): chr2:178,571,599, T>G on the plus strand (A>C on the coding strand, the complement: TTN is on the minus strand). VCF-style: chr2-178571599-T-G. GRCh37 (hg19) VCF-style: chr2-179436326-T-G.
Other names: p.Ile22277Leu; c.74533A>C (LRG_391t1); c.69610A>C, p.Ile23204Leu (NM_001256850.1); c.47338A>C, p.Ile15780Leu (NM_003319.4); c.66829A>C, p.Ile22277Leu (NM_133378.4); c.47713A>C, p.Ile15905Leu (NM_133432.3); c.47914A>C, p.Ile15972Leu (NM_133437.4); short protein forms I24845L, I15780L, I15972L, I22277L, I23204L, I15905L.
Identifiers: ClinVar variation 448818 (VCV000448818.15), dbSNP rs1214451388, ClinGen allele CA349633296.

ClinVar aggregate classification (germline): Uncertain significance. Review status: criteria provided, multiple submitters, no conflicts (2 of 4 stars). 10 submissions from 10 submitters: Uncertain significance (7). 3 of the submissions do not count toward it. Last evaluated 2025-06-20.

Conditions:
Cardiovascular phenotype. Identifiers: MedGen CN230736.

Allele frequency attached by ClinVar (database versions not stated): gnomAD exomes 0.00001 and 0.00002; TOPMed 0.00001.
gnomAD v4.1: 22 of 1,613,252 alleles (0.0014%); highest among the groups gnomAD compares: Non-Finnish European, 0.0015%; no homozygotes.

Submissions (10):

GeneDx
Classification: Uncertain significance. Last evaluated: 2025-06-20. Review status: criteria provided, single submitter. Criteria: GeneDx Variant Classification Process June 2021. Collection method: clinical testing. Allele origin: germline. Affected: yes.
Comment: Not observed at significant frequency in large population cohorts (gnomAD); Missense variant in a gene in which most reported pathogenic variants are truncating/loss of function; Has not been previously published as pathogenic or benign to our knowledge

ARUP Laboratories, Molecular Genetics and Genomics, ARUP Laboratories
Classification: Uncertain significance. Last evaluated: 2025-04-22. Review status: criteria provided, single submitter. Criteria: ARUP Molecular Germline Variant Investigation Process 2024. Collection method: clinical testing. Allele origin: germline.
Comment: The TTN c.74533A>C; p.Ile24845Leu variant (rs1214451388; ClinVar Variation ID: 448818) is rare in the general population (<0.2% allele frequency in the Genome Aggregation Database) and has not been reported in the medical literature in association with dilated cardiomyopathy (DCM) or other TTN-related disease. The clinical relevance of rare missense variants in this gene, which are identified on average once per individual sequenced in affected populations (Herman 2012), is not well understood. Yet, evidence suggests that the vast majority of such missense variants do not contribute to the clinical outcome of DCM (Begay 2015). Thus, the clinical significance of the p.Ile24845Leu variant cannot be determined with certainty. References: Begay RL et al. Role of Titin Missense Variants in Dilated Cardiomyopathy. J Am Heart Assoc. 2015 Nov 13;4(11). PMID: 26567375. Herman DS et al. Truncations of titin causing dilated cardiomyopathy. N Engl J Med. 2012 Feb 16;366(7):619-28. PMID: 22335739. Linke WA and Hamdani N. Gigantic business: titin properties and function through thick and thin. Circ Res 2014; 114(6): 1052-1068. PMID: 24625729.

Mayo Clinic Laboratories, Mayo Clinic
Classification: Uncertain significance. Last evaluated: 2023-12-07. Review status: criteria provided, single submitter. Criteria: ACMG Guidelines, 2015. Collection method: clinical testing. Allele origin: germline. Observed: 1 variant allele.
Comment: BP4

Revvity Omics, Revvity
Classification: Uncertain significance. Last evaluated: 2020-12-22. Review status: criteria provided, single submitter. Criteria: ACMG Guidelines, 2015. Collection method: clinical testing. Allele origin: germline.

Ambry Genetics
Classification: Uncertain significance for Cardiovascular phenotype. Last evaluated: 2020-02-11. Review status: criteria provided, single submitter. Criteria: Ambry Variant Classification Scheme 2023. Collection method: clinical testing. Allele origin: germline.
Comment: The p.I15780L variant (also known as c.47338A>C), located in coding exon 153 of the TTN gene, results from an A to C substitution at nucleotide position 47338. The isoleucine at codon 15780 is replaced by leucine, an amino acid with highly similar properties. This amino acid position is highly conserved in available vertebrate species. In addition, this alteration is predicted to be tolerated by in silico analysis. Since supporting evidence is limited at this time, the clinical significance of this alteration remains unclear.

Athena Diagnostics
Classification: Uncertain significance. Last evaluated: 2017-02-10. Review status: criteria provided, single submitter. Criteria: Athena Diagnostics Criteria. Collection method: clinical testing. Allele origin: germline.

Breakthrough Genomics
Classification: Uncertain significance. Review status: criteria provided, single submitter. Criteria: ACMG Guidelines, 2015. Collection method: not provided. Allele origin: germline. Inheritance: Autosomal recessive inheritance. Affected: yes.

Clinical Genetics, Academic Medical Center
Classification: Uncertain significance. Review status: no assertion criteria provided. Collection method: clinical testing. Allele origin: germline. Affected: yes. Study: VKGL Data-share Consensus. Not counted in ClinVar's aggregate classification.

Diagnostic Laboratory, Department of Genetics, University Medical Center Groningen
Classification: Uncertain significance. Review status: no assertion criteria provided. Collection method: clinical testing. Allele origin: germline. Affected: yes. Study: VKGL Data-share Consensus. Not counted in ClinVar's aggregate classification.

Joint Genome Diagnostic Labs from Nijmegen and Maastricht, Radboudumc and MUMC+
Classification: Uncertain significance. Review status: no assertion criteria provided. Collection method: clinical testing. Allele origin: germline. Affected: yes. Study: VKGL Data-share Consensus. Not counted in ClinVar's aggregate classification.